The following is an entry in ClinVar:

ClinVar aggregate classification (germline): Uncertain significance. Review status: criteria provided, multiple submitters, no conflicts (2 of 4 stars). 5 submissions from 5 submitters: Uncertain significance (4). 1 of the submissions does not count toward it. Last evaluated 2026-01-27.

Conditions:
Hereditary cancer-predisposing syndrome. Also called: Neoplastic Syndromes, Hereditary; Hereditary neoplastic syndrome; Hereditary Cancer Syndrome; Tumor predisposition. Identifiers: Orphanet 140162, MedGen C0027672, MeSH D009386, MONDO:0015356.
Hereditary breast ovarian cancer syndrome. Also called: Hereditary breast and ovarian cancer syndrome; BRCA1- and BRCA2-Associated Hereditary Breast and Ovarian Cancer; Hereditary breast and/or ovarian cancer syndrome; Hereditary breast and ovarian cancer syndrome (HBOC); Breast and ovarian cancer; Hereditary breast and ovarian cancer. Identifiers: Orphanet 145, MedGen C0677776, MeSH D061325, MONDO:0003582. Disease mechanism: loss of function.
Breast-ovarian cancer, familial, susceptibility to, 2 (BROVCA2). Also called: BRCA2 Hereditary Breast and Ovarian Cancer. Identifiers: Orphanet 145, MedGen C2675520, MONDO:0012933, OMIM 612555. Disease mechanism: loss of function.

Allele frequency attached by ClinVar (database versions not stated): gnomAD exomes below 0.00001 and 0.00001; ExAC 0.00001; gnomAD 0.00001.
gnomAD v4.1: 3 of 1,609,954 alleles (0.00019%); highest among the groups gnomAD compares: East Asian, 0.0067%; no homozygotes.

Submissions (5):

Institute for Biomarker Research, Medical Diagnostic Laboratories, L.L.C.
Classification: Uncertain significance for Hereditary breast ovarian cancer syndrome. Last evaluated: 2026-01-27. Review status: criteria provided, single submitter. Criteria: ACMG Guidelines, 2015. Collection method: clinical testing. Allele origin: germline.
Comment: The missense variant NM_000059.4(BRCA2):c.452T>C (p.Val151Ala) has not been reported previously as a pathogenic variant nor as a benign variant, to our knowledge (Accession: VCV000182175.15). There is a small physicochemical difference between valine and alanine, which is not likely to impact secondary protein structure as these residues share similar properties. The gene BRCA2 has a low rate of benign missense variation as indicated by a high missense variants Z-Score of 1.00. For these reasons, this variant has been classified as Uncertain Significance.

Labcorp Genetics (formerly Invitae), Labcorp
Classification: Uncertain significance for Hereditary breast ovarian cancer syndrome. Last evaluated: 2025-11-17. Review status: criteria provided, single submitter. Criteria: Invitae Variant Classification Sherloc (09022015). Collection method: clinical testing. Allele origin: germline.
Comment: This sequence change replaces valine, which is neutral and non-polar, with alanine, which is neutral and non-polar, at codon 151 of the BRCA2 protein (p.Val151Ala). This variant is present in population databases (rs730881503, gnomAD 0.01%). This variant has not been reported in the literature in individuals affected with BRCA2-related conditions. ClinVar contains an entry for this variant (Variation ID: 182175). Invitae Evidence Modeling of protein sequence and biophysical properties (such as structural, functional, and spatial information, amino acid conservation, physicochemical variation, residue mobility, and thermodynamic stability) indicates that this missense variant is not expected to disrupt BRCA2 protein function with a negative predictive value of 95%. In summary, the available evidence is currently insufficient to determine the role of this variant in disease. Therefore, it has been classified as a Variant of Uncertain Significance.

Ambry Genetics
Classification: Uncertain significance for Hereditary cancer-predisposing syndrome. Last evaluated: 2019-03-07. Review status: criteria provided, single submitter. Criteria: Ambry Variant Classification Scheme 2023. Collection method: clinical testing. Allele origin: germline.
Comment: The p.V151A variant (also known as c.452T>C), located in coding exon 4 of the BRCA2 gene, results from a T to C substitution at nucleotide position 452. The valine at codon 151 is replaced by alanine, an amino acid with similar properties. This amino acid position is not well conserved in available vertebrate species. In addition, this alteration is predicted to be tolerated by in silico analysis. Since supporting evidence is limited at this time, the clinical significance of this alteration remains unclear.

GeneDx
Classification: Uncertain significance. Last evaluated: 2018-02-12. Review status: criteria provided, single submitter. Criteria: GeneDx Variant Classification (06012015). Collection method: clinical testing. Allele origin: germline. Affected: yes.
Comment: This variant is denoted BRCA2 c.452T>C at the cDNA level, p.Val151Ala (V151A) at the protein level, and results in the change of a Valine to an Alanine (GTA>GCA). Using alternate nomenclature, this variant would be defined as BRCA2 680T>C. This variant has not, to our knowledge, been published in the literature as pathogenic or benign. BRCA2 Val151Ala was not observed at a significant allele frequency in large population cohorts (Lek 2016). This variant is not located in a known functional domain. In silico analysis, which includes protein predictors and evolutionary conservation, supports that this variant does not alter protein structure/function. Based on currently available evidence, it is unclear whether BRCA2 Val151Ala is a pathogenic or benign variant. We consider it to be a variant of uncertain significance.

Counsyl
Classification: Uncertain significance for Breast-ovarian cancer, familial, susceptibility to, 2. Last evaluated: 2018-02-21. Review status: no assertion criteria provided. Collection method: clinical testing. Allele origin: unknown. Not counted in ClinVar's aggregate classification.

Literature cited by the submitters: PubMed 30287823 (cited by Ambry Genetics).

NM_000059.4(BRCA2):c.452T>C (p.Val151Ala)

Gene: BRCA2 (BRCA2 DNA repair associated; plus strand). Cytogenetic location: 13q13.1.
Variant type: single nucleotide variant.
Coding change: c.452T>C on transcript NM_000059.4 (MANE Select); coding-DNA position 452, T replaced by C.
Protein change: p.Val151Ala; replaces valine 151 with alanine.
Molecular consequence: missense variant.
Genome position (GRCh38, 1-based): chr13:32,326,127, T>C. VCF-style: chr13-32326127-T-C. GRCh37 (hg19) VCF-style: chr13-32900264-T-C.
Other names: p.V151A:GTA>GCA; short protein forms V151A.
Identifiers: ClinVar variation 182175 (VCV000182175.17), dbSNP rs730881503, ClinGen allele CA020324.